The following is an entry in ClinVar:

NM_000038.6(APC):c.8529T>G (p.Val2843=)

Gene: APC (APC regulator of Wnt signaling pathway; plus strand). Cytogenetic location: 5q22.2.
Variant type: single nucleotide variant.
Coding change: c.8529T>G on transcript NM_000038.6 (MANE Select); coding-DNA position 8529, T replaced by G.
Protein change: p.Val2843=; no amino-acid change (valine 2843 retained).
Molecular consequence: synonymous variant. On other transcripts: non-coding transcript variant (2).
Genome position (GRCh38, 1-based): chr5:112,844,123, T>G. VCF-style: chr5-112844123-T-G. GRCh37 (hg19) VCF-style: chr5-112179820-T-G.
Other names: c.8529T>G, p.Val2843= (NM_001127510.3, NM_001354895.2, NM_001407450.1); c.8475T>G, p.Val2825= (NM_001127511.3); c.8583T>G, p.Val2861= (NM_001354896.2, NM_001407447.1, NM_001407448.1 and 1 more transcripts); c.8559T>G, p.Val2853= (NM_001354897.2); c.8454T>G, p.Val2818= (NM_001354898.2); c.8445T>G, p.Val2815= (NM_001354899.2); c.8406T>G, p.Val2802= (NM_001354900.2); c.8352T>G, p.Val2784= (NM_001354901.2, NM_001407453.1); and 11 more.
Identifiers: ClinVar variation 3254228 (VCV003254228.1), dbSNP rs2533874526.

ClinVar aggregate classification (germline): Benign (1 of 4 stars; one submission).

Conditions:
Familial adenomatous polyposis 1 (FAP1). Also called: FAMILIAL ADENOMATOUS POLYPOSIS 1, ATTENUATED; POLYPOSIS, ADENOMATOUS INTESTINAL. Identifiers: MedGen C2713442, MONDO:0021056, OMIM 175100. Disease mechanism: loss of function.

Submission:

Myriad Genetics, Inc.
Classification: Benign for Familial adenomatous polyposis 1. Last evaluated: 2024-04-16. Review status: criteria provided, single submitter. Criteria: Myriad Autosomal Dominant, Autosomal Recessive and X-Linked Classification Criteria (2023). Collection method: clinical testing. Allele origin: unknown.
Comment: This variant is considered benign. This variant is a silent/synonymous amino acid change and it is not expected to impact splicing.